The following is an entry in ClinVar:

ClinVar aggregate classification (germline): Uncertain significance (1 of 4 stars; one submission).

Conditions:
Inborn genetic diseases. Identifiers: MedGen C0950123, MeSH D030342.

Submission:

Ambry Genetics
Classification: Uncertain significance for Inborn genetic diseases. Last evaluated: 2026-01-20. Review status: criteria provided, single submitter. Criteria: Ambry Variant Classification Scheme 2023. Collection method: clinical testing. Allele origin: germline.
Comment: The p.K768E variant (also known as c.2302A>G), located in coding exon 20 of the KDM1A gene, results from an A to G substitution at nucleotide position 2302. The lysine at codon 768 is replaced by glutamic acid, an amino acid with similar properties. This amino acid position is conserved. In addition, this alteration is predicted to be deleterious by in silico analysis. Based on the available evidence, the clinical significance of this variant remains unclear.

NM_001009999.3(KDM1A):c.2302A>G (p.Lys768Glu)

Gene: KDM1A (lysine demethylase 1A; plus strand). Cytogenetic location: 1p36.12.
Variant type: single nucleotide variant.
Coding change: c.2302A>G on transcript NM_001009999.3 (MANE Select); coding-DNA position 2302, A replaced by G.
Protein change: p.Lys768Glu; replaces lysine 768 with glutamic acid.
Molecular consequence: missense variant.
Genome position (GRCh38, 1-based): chr1:23,082,223, A>G. VCF-style: chr1-23082223-A-G. GRCh37 (hg19) VCF-style: chr1-23408716-A-G.
Other names: c.2248A>G, p.Lys750Glu (NM_001363654.2); c.2308A>G, p.Lys770Glu (NM_001410762.1); c.2230A>G, p.Lys744Glu (NM_001410763.1, NM_015013.4); short protein forms K744E, K770E, K750E, K768E.
Identifiers: ClinVar variation 4844696 (VCV004844696.1).